The following is an entry in ClinVar:

ClinVar aggregate classification (germline): Benign (3 of 4 stars; one submission).

Conditions:
Breast-ovarian cancer, familial, susceptibility to, 2 (BROVCA2). Also called: BRCA2 Hereditary Breast and Ovarian Cancer. Identifiers: Orphanet 145, MedGen C2675520, MONDO:0012933, OMIM 612555. Disease mechanism: loss of function.

Submission:

Evidence-based Network for the Interpretation of Germline Mutant Alleles (ENIGMA)
Classification: Benign for Breast-ovarian cancer, familial, susceptibility to, 2. Last evaluated: 2016-09-28. Review status: reviewed by expert panel. Criteria: ENIGMA BRCA1/2 Classification Criteria (2015). Collection method: curation. Allele origin: germline.
Comment: Class 1 not pathogenic based on frequency >1% in an outbred sampleset. Frequency 0.8101 (European), 0.6528 (African), 0.8012 (Admixed American/Latino), 0.8938 (East Asian), 0.8211 (South Asian), derived from 1000 genomes (2013-05-02).

NM_000059.4(BRCA2):c.7007+2333_7007+2343del

Gene: BRCA2 (BRCA2 DNA repair associated; plus strand). Cytogenetic location: 13q13.1.
Variant type: Deletion.
Coding change: c.7007+2333_7007+2343del on transcript NM_000059.4 (MANE Select); bases 2333 to 2343 of the intron after coding-DNA position 7007, 11 bases deleted (AAAAAAAAAAA).
Molecular consequence: intron variant.
Genome position (GRCh38, 1-based): chr13:32,349,229-32,349,239, AAAAAAAAAAA deleted; deleting any 11 consecutive bases within chr13:32,349,217-32,349,239 gives the same sequence; the c. name uses the placement nearest the transcript's 3' end. VCF-style (leftmost placement, unchanged base first): chr13-32349216-CAAAAAAAAAAA-C. GRCh37 (hg19) VCF-style: chr13-32923353-CAAAAAAAAAAA-C.
Identifiers: ClinVar variation 264895 (VCV000264895.1), dbSNP rs55777417, ClinGen allele CA10588112.
Genomic context (GRCh38, chr13:32,349,216, plus strand): 5'-AGGTTGTGGTAAAATTGCACCACTGCACTTCAGCCTGGGTGACAGAGTGAGACTCTGTCT[CAAAAAAAAAAA>C]AAAAAAAAAAAAGATGGTGAATTGAACATACTCATATCCTTTCTTTGCCTTCCAAACTTT-3'